The following is an entry in ClinVar:

NM_182972.3(IRF2BP2):c.403A>G (p.Ser135Gly)

Genes: IRF2BP2 (interferon regulatory factor 2 binding protein 2; minus strand), LOC129932812 (ATAC-STARR-seq lymphoblastoid silent region 1977; plus strand). Cytogenetic location: 1q42.3.
Variant type: single nucleotide variant.
Coding change: c.403A>G on transcript NM_182972.3 (MANE Select); coding-DNA position 403, A replaced by G.
Protein change: p.Ser135Gly; replaces serine 135 with glycine.
Molecular consequence: missense variant.
Genome position (GRCh38, 1-based): chr1:234,609,092, T>C on the plus strand (A>G on the coding strand, the complement: IRF2BP2 is on the minus strand). VCF-style: chr1-234609092-T-C. GRCh37 (hg19) VCF-style: chr1-234744838-T-C.
Other names: c.403A>G, p.Ser135Gly (NM_001077397.1); short protein forms S135G.
Identifiers: ClinVar variation 2695503 (VCV002695503.3), dbSNP rs1672265685, ClinGen allele CA345310612.

ClinVar aggregate classification (germline): Uncertain significance (1 of 4 stars; one submission).

Allele frequency attached by ClinVar (database versions not stated): TOPMed below 0.00001.

Submission:

Labcorp Genetics (formerly Invitae), Labcorp
Classification: Uncertain significance. Last evaluated: 2025-03-07. Review status: criteria provided, single submitter. Criteria: Invitae Variant Classification Sherloc (09022015). Collection method: clinical testing. Allele origin: germline.
Comment: This sequence change replaces serine, which is neutral and polar, with glycine, which is neutral and non-polar, at codon 135 of the IRF2BP2 protein (p.Ser135Gly). This variant is not present in population databases (gnomAD no frequency). This variant has not been reported in the literature in individuals affected with IRF2BP2-related conditions. ClinVar contains an entry for this variant (Variation ID: 2695503). An algorithm developed to predict the effect of missense changes on protein structure and function outputs the following: PolyPhen-2: "Benign". The glycine amino acid residue is found in multiple mammalian species, which suggests that this missense change does not adversely affect protein function. In summary, the available evidence is currently insufficient to determine the role of this variant in disease. Therefore, it has been classified as a Variant of Uncertain Significance.